The following is an entry in ClinVar:

NM_024580.6(EFL1):c.2320C>T (p.Arg774Cys)

Gene: EFL1 (elongation factor like GTPase 1; minus strand). Cytogenetic location: 15q25.2.
Variant type: single nucleotide variant.
Coding change: c.2320C>T on transcript NM_024580.6 (MANE Select); coding-DNA position 2320, C replaced by T.
Protein change: p.Arg774Cys; replaces arginine 774 with cysteine.
Molecular consequence: missense variant. On other transcripts: non-coding transcript variant (1).
Genome position (GRCh38, 1-based): chr15:82,152,134, G>A on the plus strand (C>T on the coding strand, the complement: EFL1 is on the minus strand). VCF-style: chr15-82152134-G-A. GRCh37 (hg19) VCF-style: chr15-82444475-G-A.
Other names: c.2167C>T, p.Arg723Cys (NM_001040610.3); c.1531C>T, p.Arg511Cys (NM_001322844.2); c.2320C>T, p.Arg774Cys (NM_001322845.2); short protein forms R723C, R511C, R774C.
Identifiers: ClinVar variation 1399141 (VCV001399141.3), dbSNP rs752165394, ClinGen allele CA7697768.

ClinVar aggregate classification (germline): Uncertain significance (1 of 4 stars; one submission).

Allele frequency attached by ClinVar (database versions not stated): gnomAD 0.00001; gnomAD exomes 0.00001 and 0.00002; TOPMed 0.00001; ExAC 0.00002.
gnomAD v4.1: 11 of 1,613,940 alleles (0.00068%); highest among the groups gnomAD compares: Middle Eastern, 0.016%; no homozygotes.

Submission:

Labcorp Genetics (formerly Invitae), Labcorp
Classification: Uncertain significance. Last evaluated: 2022-08-16. Review status: criteria provided, single submitter. Criteria: Invitae Variant Classification Sherloc (09022015). Collection method: clinical testing. Allele origin: germline.
Comment: This sequence change replaces arginine, which is basic and polar, with cysteine, which is neutral and slightly polar, at codon 774 of the EFL1 protein (p.Arg774Cys). This variant is present in population databases (rs752165394, gnomAD 0.007%). This variant has not been reported in the literature in individuals affected with EFL1-related conditions. ClinVar contains an entry for this variant (Variation ID: 1399141). Algorithms developed to predict the effect of missense changes on protein structure and function are either unavailable or do not agree on the potential impact of this missense change (SIFT: "Deleterious"; PolyPhen-2: "Probably Damaging"; Align-GVGD: "Class C15"). In summary, the available evidence is currently insufficient to determine the role of this variant in disease. Therefore, it has been classified as a Variant of Uncertain Significance.